The following is an entry in ClinVar:

NM_001843.4(CNTN1):c.2183C>T (p.Ala728Val)

Gene: CNTN1 (contactin 1; plus strand). Cytogenetic location: 12q12.
Variant type: single nucleotide variant.
Coding change: c.2183C>T on transcript NM_001843.4 (MANE Select); coding-DNA position 2183, C replaced by T.
Protein change: p.Ala728Val; replaces alanine 728 with valine.
Molecular consequence: missense variant.
Genome position (GRCh38, 1-based): chr12:41,014,297, C>T. VCF-style: chr12-41014297-C-T. GRCh37 (hg19) VCF-style: chr12-41408099-C-T.
Other names: c.2150C>T, p.Ala717Val (NM_175038.2); short protein forms A717V, A728V.
Identifiers: ClinVar variation 958129 (VCV000958129.10), dbSNP rs201782849, ClinGen allele CA6517072.

ClinVar aggregate classification (germline): Uncertain significance (1 of 4 stars; one submission).

Conditions:
Compton-North congenital myopathy (CMYO12). Identifiers: Orphanet 210163, MedGen C2675527, MONDO:0012929, OMIM 612540.

Allele frequency attached by ClinVar (database versions not stated): gnomAD 0.00006; TOPMed 0.00006.
gnomAD v4.1: 52 of 1,613,522 alleles (0.0032%); highest among the groups gnomAD compares: African/African-American, 0.025%; no homozygotes.

Submission:

Labcorp Genetics (formerly Invitae), Labcorp
Classification: Uncertain significance for Compton-North congenital myopathy. Last evaluated: 2024-10-16. Review status: criteria provided, single submitter. Criteria: Invitae Variant Classification Sherloc (09022015). Collection method: clinical testing. Allele origin: germline.
Comment: This sequence change replaces alanine, which is neutral and non-polar, with valine, which is neutral and non-polar, at codon 728 of the CNTN1 protein (p.Ala728Val). This variant is present in population databases (rs201782849, gnomAD 0.02%). This variant has not been reported in the literature in individuals affected with CNTN1-related conditions. ClinVar contains an entry for this variant (Variation ID: 958129). An algorithm developed to predict the effect of missense changes on protein structure and function outputs the following: PolyPhen-2: "Benign". The valine amino acid residue is found in multiple mammalian species, which suggests that this missense change does not adversely affect protein function. In summary, the available evidence is currently insufficient to determine the role of this variant in disease. Therefore, it has been classified as a Variant of Uncertain Significance.